The following is an entry in ClinVar:

ClinVar aggregate classification (germline): Uncertain significance. Review status: criteria provided, multiple submitters, no conflicts (2 of 4 stars). 3 submissions from 2 submitters: Uncertain significance (2). 1 of the submissions does not count toward it. Last evaluated 2025-11-14.

Conditions:
B9D1-related disorder. Also called: B9D1-related disorders; B9D1-related condition.
Joubert syndrome and related disorders. Identifiers: Orphanet 140874, MedGen C5679612, MONDO:0015369.
Meckel syndrome, type 9 (MKS9). Identifiers: Orphanet 564, MedGen C3280155, MONDO:0013630, OMIM 614209.

Allele frequency attached by ClinVar (database versions not stated): gnomAD exomes below 0.00001; gnomAD 0.00001.

Submissions (3):

3billion
Classification: Uncertain significance for B9D1-related disorder. Last evaluated: 2025-11-14. Review status: criteria provided, single submitter. Criteria: ACMG Guidelines, 2015. Collection method: clinical testing. Allele origin: germline. Affected: yes.
Comment: The variant is observed at an extremely low frequency in the gnomAD v4.1.0 dataset (total allele frequency: <0.001%). Predicted Consequence/Location: Missense variant In silico tool predictions suggest damaging effect of the variant on gene or gene product [REVEL: 0.78 (>=0.6, sensitivity 0.68 and specificity 0.92); 3Cnet: 0.97 (> 0.75, sensitivity 0.96 and precision 0.92)]. The same nucleotide change resulting in the same amino acid change has been previously reported to be associated with B9D1-related disorder (ClinVar ID: VCV000266100 /PMID: 27894351). However, the evidence of pathogenicity is insufficient at this time. Therefore, this variant is classified as VUS according to the recommendation of ACMG/AMP guideline.

Genomic Medicine Center of Excellence, King Faisal Specialist Hospital and Research Centre
Classification: Uncertain significance for Meckel syndrome, type 9. Last evaluated: 2024-03-17. Review status: criteria provided, single submitter. Criteria: ACMG Guidelines, 2015. Collection method: research. Allele origin: germline.

Genomic Medicine Center of Excellence, King Faisal Specialist Hospital and Research Centre
Classification: Likely pathogenic for Joubert syndrome. Review status: no assertion criteria provided. Collection method: research. Allele origin: germline. Affected: yes. Observed: 1 homozygote. Not counted in ClinVar's aggregate classification.

Literature cited by the submitters: PubMed 27894351 (cited by 3billion).

NM_015681.6(B9D1):c.209T>C (p.Ile70Thr)

Gene: B9D1 (B9 domain containing 1; minus strand). Cytogenetic location: 17p11.2.
Variant type: single nucleotide variant.
Coding change: c.209T>C on transcript NM_015681.6 (MANE Select); coding-DNA position 209, T replaced by C.
Protein change: p.Ile70Thr; replaces isoleucine 70 with threonine.
Molecular consequence: missense variant. On other transcripts: 5 prime UTR variant (1).
Genome position (GRCh38, 1-based): chr17:19,357,875, A>G on the plus strand (T>C on the coding strand, the complement: B9D1 is on the minus strand). VCF-style: chr17-19357875-A-G. GRCh37 (hg19) VCF-style: chr17-19261188-A-G.
Other names: c.209T>C, p.Ile70Thr (NM_001321214.2, NM_001321215.3, NM_001321216.2 and 4 more transcripts); c.-152T>C (NM_001368769.2); short protein forms I70T.
Identifiers: ClinVar variation 266100 (VCV000266100.4), dbSNP rs886039811, ClinGen allele CA10588979.
Genomic context (GRCh38, chr17:19,357,875, plus strand): 5'-CCCCACAGGGCCCCTGCAGACTCACAGCCGTAGGGGTTGGTGCTTTTAAAGGTGACATCA[A>G]TGGGGAAGTTCCACACCAGTGCTTGCCGCACATCTTGGCTCTTGGATGTGATCTGTGAGA-3'
Protein context (NP_056496.1, residues 60-80): VRQALVWNFP[Ile70Thr]DVTFKSTNPY